The following is an entry in ClinVar:

ClinVar aggregate classification (germline): Uncertain significance (1 of 4 stars; one submission).

Allele frequency attached by ClinVar (database versions not stated): ExAC 0.00001; gnomAD 0.00001.
gnomAD v4.1: 1 of 1,613,228 alleles (0.000062%); highest among the groups gnomAD compares: African/African-American, 0.0013%; no homozygotes.

Submission:

GeneDx
Classification: Uncertain significance. Last evaluated: 2022-11-10. Review status: criteria provided, single submitter. Criteria: GeneDx Variant Classification Process June 2021. Collection method: clinical testing. Allele origin: germline. Affected: yes.
Comment: Not observed at significant frequency in large population cohorts (gnomAD); In silico analysis supports that this missense variant does not alter protein structure/function; Has not been previously published as pathogenic or benign to our knowledge

NM_016239.4(MYO15A):c.1099C>T (p.Pro367Ser)

Gene: MYO15A (myosin XVA; plus strand). Cytogenetic location: 17p11.2.
Variant type: single nucleotide variant.
Coding change: c.1099C>T on transcript NM_016239.4 (MANE Select); coding-DNA position 1099, C replaced by T.
Protein change: p.Pro367Ser; replaces proline 367 with serine.
Molecular consequence: missense variant.
Genome position (GRCh38, 1-based): chr17:18,119,899, C>T. VCF-style: chr17-18119899-C-T. GRCh37 (hg19) VCF-style: chr17-18023213-C-T.
Other names: short protein forms P367S.
Identifiers: ClinVar variation 2501903 (VCV002501903.1), dbSNP rs761436203, ClinGen allele CA8423019.